The following is an entry in ClinVar:

NM_000051.4(ATM):c.2906T>C (p.Leu969Pro)

Gene: ATM (ATM serine/threonine kinase; plus strand). Cytogenetic location: 11q22.3.
Variant type: single nucleotide variant.
Coding change: c.2906T>C on transcript NM_000051.4 (MANE Select); coding-DNA position 2906, T replaced by C.
Protein change: p.Leu969Pro; replaces leucine 969 with proline.
Molecular consequence: missense variant.
Genome position (GRCh38, 1-based): chr11:108,271,131, T>C. VCF-style: chr11-108271131-T-C. GRCh37 (hg19) VCF-style: chr11-108141858-T-C.
Other names: c.2906T>C, p.Leu969Pro (NM_001351834.2); short protein forms L969P.
Identifiers: ClinVar variation 821959 (VCV000821959.4), dbSNP rs1591602563, ClinGen allele CA382546961.
Genomic context (GRCh38, chr11:108,271,131, plus strand): 5'-TGCTTTTAAAGGAGCTTCCTGGAGAAGAGTACCCCTTGCCAATGGAAGATGTTCTTGAAC[T>C]TCTGAAACCACTATCGTAAGAAATTAAAACCTTATGTTATGTTCACTTTAAAGTTATAAA-3'
Protein context (NP_000042.3, residues 959-979): YPLPMEDVLE[Leu969Pro]LKPLSNVCSL

ClinVar aggregate classification (germline): Uncertain significance (1 of 4 stars; one submission).

Conditions:
Hereditary cancer-predisposing syndrome. Also called: Tumor predisposition; Hereditary Cancer Syndrome; Neoplastic Syndromes, Hereditary; Hereditary neoplastic syndrome. Identifiers: Orphanet 140162, MedGen C0027672, MeSH D009386, MONDO:0015356.

Submission:

Ambry Genetics
Classification: Uncertain significance for Hereditary cancer-predisposing syndrome. Last evaluated: 2018-10-05. Review status: criteria provided, single submitter. Criteria: Ambry Variant Classification Scheme 2023. Collection method: clinical testing. Allele origin: germline.
Comment: The p.L969P variant (also known as c.2906T>C), located in coding exon 18 of the ATM gene, results from a T to C substitution at nucleotide position 2906. The leucine at codon 969 is replaced by proline, an amino acid with similar properties. This amino acid position is highly conserved in available vertebrate species. In addition, this alteration is predicted to be deleterious by in silico analysis. Since supporting evidence is limited at this time, the clinical significance of this alteration remains unclear.